The following is an entry in ClinVar:

ClinVar aggregate classification (germline): Uncertain significance (1 of 4 stars; one submission).

Allele frequency attached by ClinVar (database versions not stated): TOPMed below 0.00001; ExAC 0.00001; gnomAD exomes 0.00001.
gnomAD v4.1: 4 of 1,613,966 alleles (0.00025%); highest among the groups gnomAD compares: Admixed American, 0.0067%; no homozygotes.

Submission:

Ambry Genetics
Classification: Uncertain significance. Last evaluated: 2024-01-26. Review status: criteria provided, single submitter. Criteria: Ambry Variant Classification Scheme 2023. Collection method: clinical testing. Allele origin: germline.
Comment: The p.A723T variant (also known as c.2167G>A), located in coding exon 18 of the RAD54L gene, results from a G to A substitution at nucleotide position 2167. The alanine at codon 723 is replaced by threonine, an amino acid with similar properties. This amino acid position is conserved. In addition, this alteration is predicted to be tolerated by in silico analysis. Since supporting evidence is limited at this time, the clinical significance of this alteration remains unclear.

NM_003579.4(RAD54L):c.2167G>A (p.Ala723Thr)

Genes: LRRC41 (leucine rich repeat containing 41; minus strand), RAD54L (RAD54 like; plus strand). Cytogenetic location: 1p34.1.
Variant type: single nucleotide variant.
Coding change: c.2167G>A on transcript NM_003579.4 (MANE Select); coding-DNA position 2167, G replaced by A.
Protein change: p.Ala723Thr; replaces alanine 723 with threonine.
Molecular consequence: missense variant. On other transcripts: 3 prime UTR variant (1).
Genome position (GRCh38, 1-based): chr1:46,278,205, G>A. VCF-style: chr1-46278205-G-A. GRCh37 (hg19) VCF-style: chr1-46743877-G-A.
Other names: c.*660C>T (NM_006369.5); c.2167G>A, p.Ala723Thr (NM_001142548.2); c.1627G>A, p.Ala543Thr (NM_001370766.1); short protein forms A723T, A543T.
Identifiers: ClinVar variation 1787005 (VCV001787005.2), dbSNP rs761545501, ClinGen allele CA834831.